The following is an entry in ClinVar:

ClinVar aggregate classification (germline): Uncertain significance (1 of 4 stars; one submission).

Conditions:
Dystonia 12 (DYT12). Also called: DYT-ATP1A3; Rapid-Onset Dystonia-Parkinsonism (RDP). Identifiers: Orphanet 71517, MedGen C1868681, MONDO:0007496, OMIM 128235.

Submission:

Labcorp Genetics (formerly Invitae), Labcorp
Classification: Uncertain significance for Dystonia 12. Last evaluated: 2025-08-24. Review status: criteria provided, single submitter. Criteria: Invitae Variant Classification Sherloc (09022015). Collection method: clinical testing. Allele origin: germline.
Comment: This sequence change replaces alanine, which is neutral and non-polar, with serine, which is neutral and polar, at codon 714 of the ATP1A3 protein (p.Ala714Ser). This variant is not present in population databases (gnomAD no frequency). This variant has not been reported in the literature in individuals affected with ATP1A3-related conditions. Invitae Evidence Modeling of protein sequence and biophysical properties (such as structural, functional, and spatial information, amino acid conservation, physicochemical variation, residue mobility, and thermodynamic stability) indicates that this missense variant is expected to disrupt ATP1A3 protein function with a positive predictive value of 95%. In summary, the available evidence is currently insufficient to determine the role of this variant in disease. Therefore, it has been classified as a Variant of Uncertain Significance.

NM_152296.5(ATP1A3):c.2140G>T (p.Ala714Ser)

Gene: ATP1A3 (ATPase Na+/K+ transporting subunit alpha 3; minus strand). Cytogenetic location: 19q13.2.
Variant type: single nucleotide variant.
Coding change: c.2140G>T on transcript NM_152296.5 (MANE Select); coding-DNA position 2140, G replaced by T.
Protein change: p.Ala714Ser; replaces alanine 714 with serine.
Molecular consequence: missense variant.
Genome position (GRCh38, 1-based): chr19:41,975,752, C>A on the plus strand (G>T on the coding strand, the complement: ATP1A3 is on the minus strand). VCF-style: chr19-41975752-C-A. GRCh37 (hg19) VCF-style: chr19-42479904-C-A.
Other names: c.2173G>T, p.Ala725Ser (NM_001256213.2); c.2179G>T, p.Ala727Ser (NM_001256214.2); short protein forms A714S, A725S, A727S.
Identifiers: ClinVar variation 4802148 (VCV004802148.1).